The following is an entry in ClinVar:

ClinVar aggregate classification (germline): Benign/Likely benign. Review status: criteria provided, multiple submitters, no conflicts (2 of 4 stars). 4 submissions from 4 submitters: Benign (2); Likely benign (2). Last evaluated 2026-01-02.

Conditions:
Diamond-Blackfan anemia. Also called: Blackfan Diamond syndrome; Aregenerative anemia chronic congenital; Red cell aplasia, pure hereditary; Congenital hypoplastic anemia; Aase syndrome. Identifiers: Orphanet 124, MedGen C1260899, MeSH D029503, MONDO:0015253, HP:0004810.
Diamond-Blackfan anemia 6 (DBA6). Also called: RPL5-Related Diamond-Blackfan Anemia. Identifiers: Orphanet 124, MedGen C2931850, MONDO:0012937, OMIM 612561.

Allele frequency attached by ClinVar (database versions not stated): gnomAD exomes 0.00004 and 0.00010; ExAC 0.00015; 1000 Genomes Project 30x 0.00031; gnomAD 0.00038 and 0.00040; 1000 Genomes Project 0.00040; TOPMed 0.00042; ESP Exome Variant Server 0.00077.
gnomAD v4.1: 113 of 1,614,052 alleles (0.007%); highest among the groups gnomAD compares: African/African-American, 0.12%; no homozygotes.

Submissions (4):

Labcorp Genetics (formerly Invitae), Labcorp
Classification: Benign for Diamond-Blackfan anemia. Last evaluated: 2026-01-02. Review status: criteria provided, single submitter. Criteria: Invitae Variant Classification Sherloc (09022015). Collection method: clinical testing. Allele origin: germline.

Blueprint Genetics
Classification: Likely benign. Last evaluated: 2022-07-26. Review status: criteria provided, single submitter. Criteria: ACMG Guidelines, 2015. Collection method: clinical testing. Allele origin: germline.

Fulgent Genetics
Classification: Likely benign for Diamond-Blackfan anemia 6. Last evaluated: 2021-12-29. Review status: criteria provided, single submitter. Criteria: ACMG Guidelines, 2015. Collection method: clinical testing. Allele origin: unknown.

Illumina Laboratory Services, Illumina
Classification: Benign for Diamond-Blackfan anemia 6. Last evaluated: 2018-01-13. Review status: criteria provided, single submitter. Criteria: ICSL Variant Classification Criteria 13 December 2019. Collection method: clinical testing. Allele origin: germline.
Comment: This variant was observed in the ICSL laboratory as part of a predisposition screen in an ostensibly healthy population. It had not been previously curated by ICSL or reported in the Human Gene Mutation Database (HGMD: prior to June 1st, 2018), and was therefore a candidate for classification through an automated scoring system. Utilizing variant allele frequency, disease prevalence and penetrance estimates, and inheritance mode, an automated score was calculated to assess if this variant is too frequent to cause the disease. Based on the score and internal cut-off values, a variant classified as benign is not then subjected to further curation. The score for this variant resulted in a classification of benign for this disease.

NM_000969.5(RPL5):c.3+12C>T

Gene: RPL5 (ribosomal protein L5; plus strand). Cytogenetic location: 1p22.1.
Variant type: single nucleotide variant.
Coding change: c.3+12C>T on transcript NM_000969.5 (MANE Select); 12 bases into the intron after coding-DNA position 3, C replaced by T.
Molecular consequence: intron variant.
Genome position (GRCh38, 1-based): chr1:92,832,129, C>T. VCF-style: chr1-92832129-C-T. GRCh37 (hg19) VCF-style: chr1-93297686-C-T.
Identifiers: ClinVar variation 875587 (VCV000875587.14), dbSNP rs200130961, ClinGen allele CA952297.